The following is an entry in ClinVar:

ClinVar aggregate classification (germline): Likely benign (1 of 4 stars; one submission).

gnomAD v4.1: 61 of 1,547,764 alleles (0.0039%); highest among the groups gnomAD compares: Admixed American, 0.0079%; no homozygotes.

Submission:

CeGaT Center for Human Genetics Tuebingen
Classification: Likely benign. Last evaluated: 2026-04-01. Review status: criteria provided, single submitter. Criteria: CeGaT Center For Human Genetics Tuebingen Variant Classification Criteria Version 2. Collection method: clinical testing. Allele origin: germline. Affected: yes. Observed: 1 variant allele.
Comment: WDR81: BP4, BP7

NM_001163809.2(WDR81):c.1464G>A (p.Pro488=)

Gene: WDR81 (WD repeat domain 81; plus strand). Cytogenetic location: 17p13.3.
Variant type: single nucleotide variant.
Coding change: c.1464G>A on transcript NM_001163809.2 (MANE Select); coding-DNA position 1464, G replaced by A.
Protein change: p.Pro488=; no amino-acid change (proline 488 retained).
Molecular consequence: synonymous variant. On other transcripts: intron variant (3).
Genome position (GRCh38, 1-based): chr17:1,726,423, G>A. VCF-style: chr17-1726423-G-A. GRCh37 (hg19) VCF-style: chr17-1629717-G-A.
Other names: c.-123-1567G>A (NM_152348.4); c.59-3957G>A (NM_001163673.2); c.-15+1637G>A (NM_001163811.2).
Identifiers: ClinVar variation 4872949 (VCV004872949.2).